The following is an entry in ClinVar:

ClinVar aggregate classification (germline): Uncertain significance. Review status: criteria provided, multiple submitters, no conflicts (2 of 4 stars). 2 submissions from 2 submitters: Uncertain significance (2). Last evaluated 2025-03-28.

Conditions:
Anterior segment dysgenesis 7 (ASGD7). Also called: SCLEROCORNEA WITH OTHER OCULAR ANOMALIES; Anterior segment dysgenesis 7, with sclerocornea. Identifiers: Orphanet 289499, MedGen C3151617, MONDO:0010015, OMIM 269400.
Inborn genetic diseases. Identifiers: MedGen C0950123, MeSH D030342.

Allele frequency attached by ClinVar (database versions not stated): ExAC 0.00001; gnomAD 0.00001; TOPMed 0.00002.
gnomAD v4.1: 15 of 1,603,544 alleles (0.00094%); highest among the groups gnomAD compares: African/African-American, 0.004%; no homozygotes.

Submissions (2):

Ambry Genetics
Classification: Uncertain significance for Inborn genetic diseases. Last evaluated: 2025-03-28. Review status: criteria provided, single submitter. Criteria: Ambry Variant Classification Scheme 2023. Collection method: clinical testing. Allele origin: germline.

Labcorp Genetics (formerly Invitae), Labcorp
Classification: Uncertain significance for Anterior segment dysgenesis 7. Last evaluated: 2022-10-26. Review status: criteria provided, single submitter. Criteria: Invitae Variant Classification Sherloc (09022015). Collection method: clinical testing. Allele origin: germline.
Comment: This sequence change replaces proline, which is neutral and non-polar, with leucine, which is neutral and non-polar, at codon 947 of the PXDN protein (p.Pro947Leu). This variant is present in population databases (rs781460975, gnomAD 0.007%). This variant has not been reported in the literature in individuals affected with PXDN-related conditions. Advanced modeling of protein sequence and biophysical properties (such as structural, functional, and spatial information, amino acid conservation, physicochemical variation, residue mobility, and thermodynamic stability) performed at Invitae indicates that this missense variant is not expected to disrupt PXDN protein function. In summary, the available evidence is currently insufficient to determine the role of this variant in disease. Therefore, it has been classified as a Variant of Uncertain Significance.

NM_012293.3(PXDN):c.2840C>T (p.Pro947Leu)

Gene: PXDN (peroxidasin; minus strand). Cytogenetic location: 2p25.3.
Variant type: single nucleotide variant.
Coding change: c.2840C>T on transcript NM_012293.3 (MANE Select); coding-DNA position 2840, C replaced by T.
Protein change: p.Pro947Leu; replaces proline 947 with leucine.
Molecular consequence: missense variant.
Genome position (GRCh38, 1-based): chr2:1,648,940, G>A on the plus strand (C>T on the coding strand, the complement: PXDN is on the minus strand). VCF-style: chr2-1648940-G-A. GRCh37 (hg19) VCF-style: chr2-1652712-G-A.
Other names: c.2840C>T (NM_012293.1); short protein forms P947L.
Identifiers: ClinVar variation 2714320 (VCV002714320.3), dbSNP rs781460975, ClinGen allele CA1512873.